The following is an entry in ClinVar:

ClinVar aggregate classification (germline): Pathogenic (1 of 4 stars; one submission).

Conditions:
Hereditary von Willebrand disease. Identifiers: Orphanet 903, MedGen C5703318, MONDO:0019565. Inheritance: Autosomal recessive or Autosomal dominant.

Allele frequency attached by ClinVar (database versions not stated): TOPMed below 0.00001; gnomAD 0.00001.
gnomAD v4.1: 1 of 1,614,088 alleles (0.000062%); highest among the groups gnomAD compares: Non-Finnish European, 0.000085%; no homozygotes.

Submission:

Women's Health and Genetics/Laboratory Corporation of America, LabCorp
Classification: Pathogenic for von Willebrand disorder. Last evaluated: 2023-11-10. Review status: criteria provided, single submitter. Criteria: LabCorp Variant Classification Summary - May 2015. Collection method: clinical testing. Allele origin: germline.
Comment: Variant summary: VWF c.6697G>T (p.Glu2233X) results in a premature termination codon, predicted to cause a truncation of the encoded protein or absence of the protein due to nonsense mediated decay, which are commonly known mechanisms for disease. The variant was absent in 251348 control chromosomes (gnomAD). To our knowledge, no occurrence of c.6697G>T in individuals affected with Von Willebrand Disease and no experimental evidence demonstrating its impact on protein function have been reported. No submitters have cited clinical-significance assessments for this variant to ClinVar after 2014. Based on the evidence outlined above, the variant was classified as pathogenic.

NM_000552.5(VWF):c.6697G>T (p.Glu2233Ter)

Gene: VWF (von Willebrand factor; minus strand). Cytogenetic location: 12p13.31.
Variant type: single nucleotide variant.
Coding change: c.6697G>T on transcript NM_000552.5 (MANE Select); coding-DNA position 6697, G replaced by T.
Protein change: p.Glu2233Ter; replaces glutamic acid 2233 with a stop codon.
Molecular consequence: nonsense.
Genome position (GRCh38, 1-based): chr12:5,991,920, C>A on the plus strand (G>T on the coding strand, the complement: VWF is on the minus strand). VCF-style: chr12-5991920-C-A. GRCh37 (hg19) VCF-style: chr12-6101086-C-A.
Other names: short protein forms E2233*.
Identifiers: ClinVar variation 2682446 (VCV002682446.1), dbSNP rs61750623, ClinGen allele CA383490067.